The following is an entry in ClinVar:

NM_025137.4(SPG11):c.3892+7C>T

Gene: SPG11 (SPG11 vesicle trafficking associated, spatacsin; minus strand). Cytogenetic location: 15q21.1.
Variant type: single nucleotide variant.
Coding change: c.3892+7C>T on transcript NM_025137.4 (MANE Select); 7 bases into the intron after coding-DNA position 3892, C replaced by T.
Molecular consequence: intron variant.
Genome position (GRCh38, 1-based): chr15:44,598,624, G>A on the plus strand (C>T on the coding strand, the complement: SPG11 is on the minus strand). VCF-style: chr15-44598624-G-A. GRCh37 (hg19) VCF-style: chr15-44890822-G-A.
Other names: c.3892+7C>T (NM_001160227.2).
Identifiers: ClinVar variation 1930028 (VCV001930028.5), dbSNP rs750799739, ClinGen allele CA7534838.

ClinVar aggregate classification (germline): Uncertain significance (1 of 4 stars; one submission).

Conditions:
Hereditary spastic paraplegia 11. Also called: Spastic paraplegia, mental retardation and thin corpus callosum; Nakamura Osame syndrome; Autosomal recessive hereditary spastic paraplegia, mental impairment, and thin corpus callosum; SPASTIC PARAPLEGIA, AUTOSOMAL RECESSIVE, COMPLICATED, WITH THIN CORPUS CALLOSUM; SPASTIC PARAPLEGIA, AUTOSOMAL RECESSIVE, WITH MENTAL IMPAIRMENT AND THIN CORPUS CALLOSUM; Spastic Paraplegia 11. Identifiers: Orphanet 2822, MedGen C1858479, MONDO:0011445, OMIM 604360.

Allele frequency attached by ClinVar (database versions not stated): gnomAD exomes below 0.00001; ExAC 0.00001.
gnomAD v4.1: 1 of 1,613,392 alleles (0.000062%); highest among the groups gnomAD compares: Admixed American, 0.0017%; no homozygotes.

Submission:

Labcorp Genetics (formerly Invitae), Labcorp
Classification: Uncertain significance for Hereditary spastic paraplegia 11. Last evaluated: 2022-06-08. Review status: criteria provided, single submitter. Criteria: Invitae Variant Classification Sherloc (09022015). Collection method: clinical testing. Allele origin: germline.
Comment: This variant has not been reported in the literature in individuals affected with SPG11-related conditions. This variant is present in population databases (rs750799739, gnomAD 0.003%). This sequence change falls in intron 22 of the SPG11 gene. It does not directly change the encoded amino acid sequence of the SPG11 protein. Algorithms developed to predict the effect of sequence changes on RNA splicing suggest that this variant may disrupt the consensus splice site. In summary, the available evidence is currently insufficient to determine the role of this variant in disease. Therefore, it has been classified as a Variant of Uncertain Significance.